The following is an entry in ClinVar:

ClinVar aggregate classification (germline): Likely pathogenic. Review status: reviewed by expert panel (3 of 4 stars). 4 submissions from 3 submitters: Likely pathogenic (1). 3 of the submissions do not count toward it. Last evaluated 2022-06-30.

Conditions:
Mitochondrial disease. Also called: Mitochondrial disorder; Mitochondrial disorders. Identifiers: Orphanet 68380, MedGen C0751651, MeSH D028361, MONDO:0044970.
MELAS syndrome (MELAS). Also called: Juvenile myopathy, encephalopathy, lactic acidosis, stroke. Identifiers: Orphanet 550, MedGen C0162671, MONDO:0010789, OMIM 540000.
Leigh syndrome (NULS). Also called: Leigh's necrotizing encephalopathy; Leigh's disease; Leigh Disease; Subacute necrotizing encephalopathy; Necrotizing encephalopathy infantile subacute of Leigh; LEIGH SYNDROME, NUCLEAR. Identifiers: Orphanet 506, MedGen C2931891, MONDO:0009723, OMIM 256000.

Submissions (4):

ClinGen Mitochondrial Disease Nuclear and Mitochondrial  Variant Curation Expert Panel, ClinGen
Classification: Likely pathogenic for Mitochondrial disease. Last evaluated: 2022-06-30. Review status: reviewed by expert panel. Criteria: clingen mito disease acmg specifications v1-1. Collection method: curation. Allele origin: germline. Inheritance: Mitochondrial inheritance.
Comment: The m.13514A>G (p.D393G) variant in MT-ND5 has been reported in at least 12 unrelated individuals with primary mitochondrial disease with onset ranging from childhood to adulthood and features variably consistent with Leigh syndrome and MELAS, as well as hypertrophic cardiomyopathy, optic atrophy, and neuropathy (PS4_moderate; PMIDs: 26341968, 25974876, 32504279, 20972245, 23847141, 21712854, 15576045, 14684687, 11198278). Heteroplasmy levels in affected individuals ranged from 55-70% in muscle, 12-55% in fibroblasts, 4-50% in blood, and 90% heart. This variant has been identified as a de novo occurrence in at least two probands with primary mitochondrial disease (PM6_supporting; PMIDs: 14684687, 11198278). There are no large families reported in the medical literature to consider for evidence of segregation. This variant is absent in the GenBank dataset, Helix dataset, and gnomAD v3.1.2 (PM2_supporting). Another variant at this amino acid position leading to a different amino acid change is classified as pathogenic by this Expert Panel – m.13513G>A (p. D393N, PM5). Cybrid studies showed a tight correlation between higher heteroplasmy level and lower complex I activity (PS3_supporting, PMID: 11198278). The computational predictor APOGEE gives a consensus rating of pathogenic with a score of 0.95 (Min=0, Max=1), which predicts a damaging effect on gene function (PP3). In summary, this variant meets criteria to be classified as likely pathogenic for primary mitochondrial disease inherited in a mitochondrial manner. This classification was approved by the NICHD/NINDS U24 Mitochondrial Disease Variant Curation Expert Panel on May 3, 2022. Mitochondrial DNA-specific ACMG/AMP criteria applied (PMID: 32906214): PS4_moderate, PM6_supporting, PM2_supporting, PM5, PS3_supporting, PP3.

Wong Mito Lab, Molecular and Human Genetics, Baylor College of Medicine
Classification: Pathogenic for Leigh syndrome. Last evaluated: 2019-10-17. Review status: criteria provided, single submitter. Criteria: Modified ACMG Guidelines (Unpublished). Collection method: clinical testing. Allele origin: germline. Not counted in ClinVar's aggregate classification.
Comment: The NC_012920.1:m.13514A>G (YP_003024036.1:p.Asp393Gly) variant in MTND5 gene is interpretated to be a Pathogenic variant based on the modified ACMG guidelines (unpublished). This variant meets the following evidence codes: PS1, PS3

GeneReviews
No classification provided. Condition: Leigh syndrome. Review status: no classification provided. Collection method: literature only. Allele origin: germline. Not counted in ClinVar's aggregate classification.

GeneReviews
No classification provided. Condition: MELAS syndrome. Review status: no classification provided. Collection method: literature only. Allele origin: maternal. Not counted in ClinVar's aggregate classification.

Literature cited by the submitters: PubMed 11198278 (cited by Wong Mito Lab, Molecular and Human Genetics, Baylor College of Medicine and GeneReviews); PubMed 15521990 (cited by Wong Mito Lab, Molecular and Human Genetics, Baylor College of Medicine); NCBI Bookshelf NBK1173 (cited by GeneReviews).

NC_012920.1(MT-ND5):m.13514A>G

Gene: MT-ND5 (mitochondrially encoded NADH dehydrogenase 5; plus strand).
Variant type: single nucleotide variant.
Genome position: chrM-13514-A-G.
Identifiers: ClinVar variation 155889 (VCV000155889.12), dbSNP rs587776440, ClinGen allele CA345918.